The following is an entry in ClinVar:

NM_006979.3(SLC39A7):c.847A>C (p.Thr283Pro)

Gene: SLC39A7 (solute carrier family 39 member 7; plus strand). Cytogenetic location: 6p21.32.
Variant type: single nucleotide variant.
Coding change: c.847A>C on transcript NM_006979.3 (MANE Select); coding-DNA position 847, A replaced by C.
Protein change: p.Thr283Pro; replaces threonine 283 with proline.
Molecular consequence: missense variant.
Genome position (GRCh38, 1-based): chr6:33,202,607, A>C. VCF-style: chr6-33202607-A-C. GRCh37 (hg19) VCF-style: chr6-33170384-A-C.
Other names: c.847A>C, p.Thr283Pro (NM_001077516.2); c.472A>C, p.Thr158Pro (NM_001288777.2); c.847A>C (NM_001077516.1); short protein forms T158P, T283P.
Identifiers: ClinVar variation 1598804 (VCV001598804.10), dbSNP rs200100279, ClinGen allele CA3752374.
Genomic context (GRCh38, chr6:33,202,607, plus strand): 5'-TTTCTTCCCTCAGAGCGTTCTACCAAGGAGAAGCAGAGCTCAGAGGAAGAAGAAAAGGAA[A>C]CAAGAGGGGTTCAGAAGAGGCGAGGAGGGAGCACAGTACCCAAAGATGGGCCAGTGAGAC-3'
Protein context (NP_008910.2, residues 273-293): KQSSEEEEKE[Thr283Pro]RGVQKRRGGS

ClinVar aggregate classification (germline): Benign. Review status: criteria provided, single submitter (1 of 4 stars). 2 submissions from 2 submitters: Benign (1). 1 of the submissions does not count toward it. Last evaluated 2026-01-05.

Conditions:
SLC39A7-related disorder. Also called: SLC39A7-related condition.

Allele frequency attached by ClinVar (database versions not stated): gnomAD 0.00036 and 0.00030; TOPMed 0.00037; 1000 Genomes Project 30x 0.00047; gnomAD exomes 0.00089; ExAC 0.00094; 1000 Genomes Project 0.00020; ESP Exome Variant Server 0.00027.

Submissions (2):

Labcorp Genetics (formerly Invitae), Labcorp
Classification: Benign. Last evaluated: 2026-01-05. Review status: criteria provided, single submitter. Criteria: Invitae Variant Classification Sherloc (09022015). Collection method: clinical testing. Allele origin: germline.

PreventionGenetics, part of Exact Sciences
Classification: Likely benign for SLC39A7-related condition. Last evaluated: 2022-11-02. Review status: no assertion criteria provided. Collection method: clinical testing. Allele origin: germline. Not counted in ClinVar's aggregate classification.
Comment: This variant is classified as likely benign based on ACMG/AMP sequence variant interpretation guidelines (Richards et al. 2015 PMID: 25741868, with internal and published modifications).